The following is an entry in ClinVar:

ClinVar aggregate classification (germline): Pathogenic (3 of 4 stars; one submission).

Conditions:
Lynch syndrome. Identifiers: Orphanet 144, MedGen C4552100, MONDO:0005835. Disease mechanism: loss of function.

Submission:

International Society for Gastrointestinal Hereditary Tumours (InSiGHT)
Classification: Pathogenic for Lynch Syndrome. Last evaluated: 2013-09-05. Review status: reviewed by expert panel. Criteria: Guidelines v1.9. Collection method: research. Allele origin: germline.
Comment: Coding sequence variation resulting in a stop codon (also interrupts canonical donor splice site)

Classified with v1.9 guidelines

NM_000179.3(MSH6):c.3798_3801+26del

Gene: MSH6 (mutS homolog 6; plus strand). Cytogenetic location: 2p16.3.
Variant type: Deletion.
Coding change: c.3798_3801+26del on transcript NM_000179.3 (MANE Select); coding-DNA position 3798 through 26 bases into the intron after coding-DNA position 3801, 30 bases deleted (TATGGTATGTGCAAATTGTTTTTTTCCACA).
Molecular consequence: splice donor variant.
Genome position (GRCh38, 1-based): chr2:47,806,355-47,806,384, TATGGTATGTGCAAATTGTTTTTTTCCACA deleted; deleting any 30 consecutive bases within chr2:47,806,352-47,806,384 gives the same sequence; the c. name uses the placement nearest the transcript's 3' end. VCF-style (leftmost placement, unchanged base first): chr2-47806351-GACATATGGTATGTGCAAATTGTTTTTTTCC-G. GRCh37 (hg19) VCF-style: chr2-48033490-GACATATGGTATGTGCAAATTGTTTTTTTCC-G.
Other names: c.2892_2895+26del (NM_001281493.2, NM_001281494.2); c.3408_3411+26del (NM_001281492.2).
Identifiers: ClinVar variation 89462 (VCV000089462.2), dbSNP rs587779291, ClinGen allele CA330569.